The following is an entry in ClinVar:

NM_001378452.1(ITPR1):c.5681A>T (p.Lys1894Met)

Gene: ITPR1 (inositol 1,4,5-trisphosphate receptor type 1; plus strand). Cytogenetic location: 3p26.1.
Variant type: single nucleotide variant.
Coding change: c.5681A>T on transcript NM_001378452.1 (MANE Select); coding-DNA position 5681, A replaced by T.
Protein change: p.Lys1894Met; replaces lysine 1894 with methionine.
Molecular consequence: missense variant.
Genome position (GRCh38, 1-based): chr3:4,766,666, A>T. VCF-style: chr3-4766666-A-T. GRCh37 (hg19) VCF-style: chr3-4808350-A-T.
Other names: c.5537A>T, p.Lys1846Met (NM_001099952.4); c.5636A>T, p.Lys1879Met (NM_001168272.2); c.5492A>T, p.Lys1831Met (NM_002222.7); short protein forms K1831M, K1846M, K1879M, K1894M.
Identifiers: ClinVar variation 1310480 (VCV001310480.2), dbSNP rs2045837616, ClinGen allele CA351633839.

ClinVar aggregate classification (germline): Uncertain significance (1 of 4 stars; one submission).

Submission:

GeneDx
Classification: Uncertain significance. Last evaluated: 2019-11-18. Review status: criteria provided, single submitter. Criteria: GeneDx Variant Classification Process June 2021. Collection method: clinical testing. Allele origin: germline. Affected: yes.
Comment: Not observed in large population cohorts (Lek et al., 2016); In silico analysis, which includes protein predictors and evolutionary conservation, supports a deleterious effect; Has not been previously published as pathogenic or benign to our knowledge